The following is an entry in ClinVar:

NM_178170.3(NEK8):c.1613C>G (p.Pro538Arg)

Genes: NEK8 (NIMA related kinase 8; plus strand), LOC130060573 (ATAC-STARR-seq lymphoblastoid active region 11950; plus strand). Cytogenetic location: 17q11.2.
Variant type: single nucleotide variant.
Coding change: c.1613C>G on transcript NM_178170.3 (MANE Select); coding-DNA position 1613, C replaced by G.
Protein change: p.Pro538Arg; replaces proline 538 with arginine.
Molecular consequence: missense variant.
Genome position (GRCh38, 1-based): chr17:28,740,866, C>G. VCF-style: chr17-28740866-C-G. GRCh37 (hg19) VCF-style: chr17-27067884-C-G.
Other names: short protein forms P538R.
Identifiers: ClinVar variation 4715696 (VCV004715696.1).

ClinVar aggregate classification (germline): Uncertain significance (1 of 4 stars; one submission).

Conditions:
Nephronophthisis 9 (NPHP9). Identifiers: Orphanet 655, MedGen C3151188, MONDO:0013444, OMIM 613824.

Submission:

Labcorp Genetics (formerly Invitae), Labcorp
Classification: Uncertain significance for Nephronophthisis 9. Last evaluated: 2025-03-24. Review status: criteria provided, single submitter. Criteria: Invitae Variant Classification Sherloc (09022015). Collection method: clinical testing. Allele origin: germline.
Comment: This sequence change replaces proline, which is neutral and non-polar, with arginine, which is basic and polar, at codon 538 of the NEK8 protein (p.Pro538Arg). This variant is not present in population databases (gnomAD no frequency). This variant has not been reported in the literature in individuals affected with NEK8-related conditions. An algorithm developed to predict the effect of missense changes on protein structure and function (PolyPhen-2) suggests that this variant is likely to be tolerated. In summary, the available evidence is currently insufficient to determine the role of this variant in disease. Therefore, it has been classified as a Variant of Uncertain Significance.